The following is an entry in ClinVar:

ClinVar aggregate classification (germline): Benign/Likely benign. Review status: criteria provided, multiple submitters, no conflicts (2 of 4 stars). 4 submissions from 4 submitters: Benign (3); Likely benign (1). Last evaluated 2026-09-01.

Conditions:
Developmental and epileptic encephalopathy 94 (DEE94). Also called: CHD2-Related Neurodevelopmental Disorders; Epileptic encephalopathy, childhood-onset. Identifiers: Orphanet 1942, Orphanet 2382, MedGen C3809278, MONDO:0014150, OMIM 615369.

Allele frequency attached by ClinVar (database versions not stated): gnomAD 0.00003; gnomAD exomes 0.00005 and 0.00014; TOPMed 0.00005; ExAC 0.00012.
gnomAD v4.1: 35 of 1,613,962 alleles (0.0022%); highest among the groups gnomAD compares: Admixed American, 0.058%; no homozygotes.

Submissions (4):

CeGaT Center for Human Genetics Tuebingen
Classification: Likely benign. Last evaluated: 2026-09-01. Review status: criteria provided, single submitter. Criteria: CeGaT Center For Human Genetics Tuebingen Variant Classification Criteria Version 2. Collection method: clinical testing. Allele origin: germline. Affected: yes. Observed: 1 variant allele.
Comment: CHD2: BP4, BP7

Labcorp Genetics (formerly Invitae), Labcorp
Classification: Benign for Developmental and epileptic encephalopathy 94. Last evaluated: 2026-01-19. Review status: criteria provided, single submitter. Criteria: Invitae Variant Classification Sherloc (09022015). Collection method: clinical testing. Allele origin: germline.

ARUP Laboratories, Molecular Genetics and Genomics, ARUP Laboratories
Classification: Benign for Developmental and epileptic encephalopathy 94. Last evaluated: 2025-04-01. Review status: criteria provided, single submitter. Criteria: ARUP Molecular Germline Variant Investigation Process 2024. Collection method: clinical testing. Allele origin: germline.

GeneDx
Classification: Benign. Last evaluated: 2020-02-05. Review status: criteria provided, single submitter. Criteria: GeneDx Variant Classification Process June 2021. Collection method: clinical testing. Allele origin: germline. Affected: yes.

NM_001271.4(CHD2):c.3279G>A (p.Arg1093=)

Gene: CHD2 (chromodomain helicase DNA binding protein 2; plus strand). Cytogenetic location: 15q26.1.
Variant type: single nucleotide variant.
Coding change: c.3279G>A on transcript NM_001271.4 (MANE Select); coding-DNA position 3279, G replaced by A.
Protein change: p.Arg1093=; no amino-acid change (arginine 1093 retained).
Molecular consequence: synonymous variant.
Genome position (GRCh38, 1-based): chr15:92,985,539, G>A. VCF-style: chr15-92985539-G-A. GRCh37 (hg19) VCF-style: chr15-93528769-G-A.
Identifiers: ClinVar variation 701758 (VCV000701758.15), dbSNP rs774908145, ClinGen allele CA7748176.